The following is an entry in ClinVar:

ClinVar aggregate classification (germline): Conflicting classifications of pathogenicity. Review status: criteria provided, conflicting classifications (1 of 4 stars). 5 submissions from 5 submitters: Uncertain significance (4); Likely benign (1). Last evaluated 2025-12-08.

Conditions:
Cardiovascular phenotype. Identifiers: MedGen CN230736.
Cardiomyopathy (CMYO). Also called: Cardiomyopathies. Identifiers: Orphanet 167848, MedGen C0878544, MONDO:0004994, HP:0001638. Inheritance: Various modes of inheritance.
Hypertrophic cardiomyopathy. Also called: HYPERTROPHIC MYOCARDIOPATHY. Identifiers: Orphanet 217569, MedGen C0007194, MeSH D002312, MONDO:0005045, HP:0001639.
Left ventricular noncompaction 10 (LVNC10). Identifiers: Orphanet 154, Orphanet 54260, MedGen C3715165, MONDO:0014163, OMIM 615396.

Allele frequency attached by ClinVar (database versions not stated): TOPMed below 0.00001; gnomAD 0.00001.
gnomAD v4.1: 9 of 1,613,920 alleles (0.00056%); highest among the groups gnomAD compares: African/African-American, 0.0013%; no homozygotes.

Submissions (5):

Labcorp Genetics (formerly Invitae), Labcorp
Classification: Uncertain significance for Hypertrophic cardiomyopathy. Last evaluated: 2025-12-08. Review status: criteria provided, single submitter. Criteria: Invitae Variant Classification Sherloc (09022015). Collection method: clinical testing. Allele origin: germline.
Comment: This sequence change replaces alanine, which is neutral and non-polar, with serine, which is neutral and polar, at codon 517 of the MYBPC3 protein (p.Ala517Ser). This variant is not present in population databases (gnomAD no frequency). This variant has not been reported in the literature in individuals affected with MYBPC3-related conditions. ClinVar contains an entry for this variant (Variation ID: 976255). An algorithm developed to predict the effect of missense changes on protein structure and function (PolyPhen-2) suggests that this variant is likely to be tolerated. In summary, the available evidence is currently insufficient to determine the role of this variant in disease. Therefore, it has been classified as a Variant of Uncertain Significance.

Color Diagnostics, LLC DBA Color Health
Classification: Likely benign for Cardiomyopathy. Last evaluated: 2025-06-09. Review status: criteria provided, single submitter. Criteria: ACMG Guidelines, 2015. Collection method: clinical testing. Allele origin: germline.

GeneDx
Classification: Uncertain significance. Last evaluated: 2024-09-16. Review status: criteria provided, single submitter. Criteria: GeneDx Variant Classification Process June 2021. Collection method: clinical testing. Allele origin: germline. Affected: yes.
Comment: Has not been previously published as pathogenic or benign to our knowledge; Not observed at significant frequency in large population cohorts (gnomAD); In silico analysis indicates that this missense variant does not alter protein structure/function

Ambry Genetics
Classification: Uncertain significance for Cardiovascular phenotype. Last evaluated: 2022-12-25. Review status: criteria provided, single submitter. Criteria: Ambry Variant Classification Scheme 2023. Collection method: clinical testing. Allele origin: germline.
Comment: The p.A517S variant (also known as c.1549G>T), located in coding exon 17 of the MYBPC3 gene, results from a G to T substitution at nucleotide position 1549. The alanine at codon 517 is replaced by serine, an amino acid with similar properties. This amino acid position is not well conserved in available vertebrate species, and serine is the reference amino acid in other vertebrate species. In addition, this alteration is predicted to be tolerated by in silico analysis. Since supporting evidence is limited at this time, the clinical significance of this alteration remains unclear.

Institute of Human Genetics, University of Leipzig Medical Center
Classification: Uncertain significance for Left ventricular noncompaction 10. Last evaluated: 2019-10-17. Review status: criteria provided, single submitter. Criteria: ACMG Guidelines, 2015. Collection method: clinical testing. Allele origin: germline. Affected: yes. Observed: 1 variant allele.

NM_000256.3(MYBPC3):c.1549G>T (p.Ala517Ser)

Gene: MYBPC3 (myosin binding protein C3; minus strand). Cytogenetic location: 11p11.2.
Variant type: single nucleotide variant.
Coding change: c.1549G>T on transcript NM_000256.3 (MANE Select); coding-DNA position 1549, G replaced by T.
Protein change: p.Ala517Ser; replaces alanine 517 with serine.
Molecular consequence: missense variant.
Genome position (GRCh38, 1-based): chr11:47,342,653, C>A on the plus strand (G>T on the coding strand, the complement: MYBPC3 is on the minus strand). VCF-style: chr11-47342653-C-A. GRCh37 (hg19) VCF-style: chr11-47364204-C-A.
Other names: short protein forms A517S.
Identifiers: ClinVar variation 976255 (VCV000976255.11), dbSNP rs1565627873, ClinGen allele CA380325125.